The following is an entry in ClinVar:

ClinVar aggregate classification (germline): Likely pathogenic (1 of 4 stars; one submission).

Submission:

CeGaT Center for Human Genetics Tuebingen
Classification: Likely pathogenic. Last evaluated: 2024-02-01. Review status: criteria provided, single submitter. Criteria: CeGaT Center For Human Genetics Tuebingen Variant Classification Criteria Version 2. Collection method: clinical testing. Allele origin: germline. Affected: yes. Observed: 1 variant allele.
Comment: TBX6: PVS1:Strong, PM2

NM_004608.4(TBX6):c.117del (p.Glu40fs)

Gene: TBX6 (T-box transcription factor 6; minus strand). Cytogenetic location: 16p11.2.
Variant type: Deletion.
Coding change: c.117del on transcript NM_004608.4 (MANE Select); coding-DNA position 117, one base deleted (C; older notation c.117delC).
Protein change: p.Glu40fs; shifts the reading frame from glutamic acid 40.
Molecular consequence: frameshift variant.
Genome position (GRCh38, 1-based): chr16:30,091,077, G deleted on the plus strand (C on the coding strand, the reverse complement: TBX6 is on the minus strand); the first of 4 consecutive G bases (chr16:30,091,077-30,091,080); deleting any one gives the same sequence. VCF-style (leftmost placement, unchanged base first): chr16-30091076-CG-C. GRCh37 (hg19) VCF-style: chr16-30102397-CG-C.
Other names: short protein forms E40fs.
Identifiers: ClinVar variation 3027069 (VCV003027069.22), dbSNP rs2543670180, ClinGen allele CA2740093297.